The following is an entry in ClinVar:

NM_004655.4(AXIN2):c.1200+1G>A

Gene: AXIN2 (axin 2; minus strand). Cytogenetic location: 17q24.1.
Variant type: single nucleotide variant.
Coding change: c.1200+1G>A on transcript NM_004655.4 (MANE Select); the canonical splice donor site of the intron after coding-DNA position 1200, G replaced by A.
Molecular consequence: splice donor variant.
Genome position (GRCh38, 1-based): chr17:65,538,202, C>T on the plus strand (G>A on the coding strand, the complement: AXIN2 is on the minus strand). VCF-style: chr17-65538202-C-T. GRCh37 (hg19) VCF-style: chr17-63534320-C-T.
Other names: c.1200+1G>A (NM_001363813.1, NM_004655.3).
Identifiers: ClinVar variation 1067036 (VCV001067036.10), dbSNP rs2144475422, ClinGen allele CA400678100.

ClinVar aggregate classification (germline): Likely pathogenic. Review status: criteria provided, multiple submitters, no conflicts (2 of 4 stars). 2 submissions from 2 submitters: Likely pathogenic (2). Last evaluated 2026-02-04.

Conditions:
Hereditary cancer-predisposing syndrome. Also called: Hereditary Cancer Syndrome; Neoplastic Syndromes, Hereditary; Tumor predisposition; Hereditary neoplastic syndrome. Identifiers: Orphanet 140162, MedGen C0027672, MeSH D009386, MONDO:0015356.
Oligodontia-cancer predisposition syndrome. Also called: TOOTH AGENESIS-COLORECTAL CANCER SYNDROME. Identifiers: Orphanet 300576, MedGen C1837750, MONDO:0012075, OMIM 608615. Disease mechanism: loss of function.

Submissions (2):

Ambry Genetics
Classification: Likely pathogenic for Hereditary cancer-predisposing syndrome. Last evaluated: 2026-02-04. Review status: criteria provided, single submitter. Criteria: Ambry Variant Classification Scheme 2023. Collection method: clinical testing. Allele origin: germline.
Comment: The c.1200+1G>A intronic variant results from a G to A substitution one nucleotide after coding exon 4 of the AXIN2 gene. This variant is considered to be rare based on population cohorts in the Genome Aggregation Database (gnomAD). This nucleotide position is highly conserved in available vertebrate species. In silico splice site analysis predicts that this alteration will weaken the native splice donor site and will result in the creation or strengthening of a novel splice donor site. RNA studies have demonstrated that this variant results in abnormal splicing in the set of samples tested (Ambry internal data). Alterations that disrupt the canonical splice site are expected to cause aberrant splicing, resulting in an abnormal protein or a transcript that is subject to nonsense-mediated mRNA decay. As such, this alteration is classified as likely pathogenic.

Labcorp Genetics (formerly Invitae), Labcorp
Classification: Likely pathogenic for Oligodontia-cancer predisposition syndrome. Last evaluated: 2020-10-23. Review status: criteria provided, single submitter. Criteria: Invitae Variant Classification Sherloc (09022015). Collection method: clinical testing. Allele origin: germline.
Comment: This variant is not present in population databases (ExAC no frequency). This variant has not been reported in the literature in individuals with AXIN2-related conditions. Algorithms developed to predict the effect of sequence changes on RNA splicing suggest that this variant may disrupt the consensus splice site, but this prediction has not been confirmed by published transcriptional studies. In summary, the currently available evidence indicates that the variant is pathogenic, but additional data are needed to prove that conclusively. Therefore, this variant has been classified as Likely Pathogenic. This sequence change affects a donor splice site in intron 5 of the AXIN2 gene. It is expected to disrupt RNA splicing. Variants that disrupt the donor or acceptor splice site typically lead to a loss of protein function (PMID: 16199547), and loss-of-function variants in AXIN2 are known to be pathogenic (PMID: 15042511, 21416598).

Literature cited by the submitters: PubMed 16199547 (cited by Labcorp Genetics (formerly Invitae), Labcorp); PubMed 15042511 (cited by Labcorp Genetics (formerly Invitae), Labcorp); PubMed 21416598 (cited by Labcorp Genetics (formerly Invitae), Labcorp).